The following is an entry in ClinVar:

ClinVar aggregate classification (germline): Uncertain significance (1 of 4 stars; one submission).

Conditions:
Epileptic encephalopathy. Identifiers: MedGen C0543888, HP:0200134.

Submission:

Labcorp Genetics (formerly Invitae), Labcorp
Classification: Uncertain significance for Epileptic encephalopathy. Last evaluated: 2022-07-26. Review status: criteria provided, single submitter. Criteria: Invitae Variant Classification Sherloc (09022015). Collection method: clinical testing. Allele origin: germline.
Comment: This variant is not present in population databases (gnomAD no frequency). This sequence change replaces cysteine, which is neutral and slightly polar, with arginine, which is basic and polar, at codon 108 of the GABBR2 protein (p.Cys108Arg). This variant has not been reported in the literature in individuals affected with GABBR2-related conditions. ClinVar contains an entry for this variant (Variation ID: 934693). Algorithms developed to predict the effect of missense changes on protein structure and function are either unavailable or do not agree on the potential impact of this missense change (SIFT: "Deleterious"; PolyPhen-2: "Probably Damaging"; Align-GVGD: "Class C0"). In summary, the available evidence is currently insufficient to determine the role of this variant in disease. Therefore, it has been classified as a Variant of Uncertain Significance.

NM_005458.8(GABBR2):c.322T>C (p.Cys108Arg)

Gene: GABBR2 (gamma-aminobutyric acid type B receptor subunit 2; minus strand). Cytogenetic location: 9q22.33.
Variant type: single nucleotide variant.
Coding change: c.322T>C on transcript NM_005458.8 (MANE Select); coding-DNA position 322, T replaced by C.
Protein change: p.Cys108Arg; replaces cysteine 108 with arginine.
Molecular consequence: missense variant.
Genome position (GRCh38, 1-based): chr9:98,578,072, A>G on the plus strand (T>C on the coding strand, the complement: GABBR2 is on the minus strand). VCF-style: chr9-98578072-A-G. GRCh37 (hg19) VCF-style: chr9-101340354-A-G.
Other names: short protein forms C108R.
Identifiers: ClinVar variation 934693 (VCV000934693.9), dbSNP rs1828946531, ClinGen allele CA374350266.